The following is an entry in ClinVar:

NM_000497.4(CYP11B1):c.1086G>C (p.Leu362=)

Genes: CYP11B1 (cytochrome P450 family 11 subfamily B member 1; minus strand), LOC106799833 (CYP11B1 recombination region; plus strand). Cytogenetic location: 8q24.3.
Variant type: single nucleotide variant.
Coding change: c.1086G>C on transcript NM_000497.4 (MANE Select); coding-DNA position 1086, G replaced by C.
Protein change: p.Leu362=; no amino-acid change (leucine 362 retained).
Molecular consequence: synonymous variant.
Genome position (GRCh38, 1-based): chr8:142,875,747, C>G on the plus strand (G>C on the coding strand, the complement: CYP11B1 is on the minus strand). VCF-style: chr8-142875747-C-G. GRCh37 (hg19) VCF-style: chr8-143957163-C-G.
Other names: p.Leu362=; c.1086G>C, p.Leu362= (NM_001026213.1).
Identifiers: ClinVar variation 362152 (VCV000362152.23), dbSNP rs6403, ClinGen allele CA4905162.

ClinVar aggregate classification (germline): Benign. Review status: criteria provided, multiple submitters, no conflicts (2 of 4 stars). 9 submissions from 8 submitters: Benign (9). Last evaluated 2026-02-04.

Conditions:
Glucocorticoid-remediable aldosteronism. Also called: Hyperaldosteronism, familial, type I; ACTH-DEPENDENT HYPERALDOSTERONISM SYNDROME; ALDOSTERONISM, SENSITIVE TO DEXAMETHASONE; FH I; GLUCOCORTICOID-SUPPRESSIBLE HYPERALDOSTERONISM. Identifiers: Orphanet 403, MedGen C3838731, MONDO:0007080, OMIM 103900.
Deficiency of steroid 11-beta-monooxygenase (CYP11B1). Also called: Congenital adrenal hyperplasia due to 11-beta-hydroxylase deficiency; ADRENAL HYPERPLASIA IV; ADRENAL HYPERPLASIA, CONGENITAL, DUE TO STEROID 11-BETA-HYDROXYLASE DEFICIENCY; 11-BETA-HYDROXYLASE DEFICIENCY; P450C11B1 DEFICIENCY; STEROID 11-BETA-HYDROXYLASE DEFICIENCY. Identifiers: Orphanet 90795, MedGen C0268292, MONDO:0008729, OMIM 202010. Disease mechanism: loss of function.

Allele frequency attached by ClinVar (database versions not stated): ESP Exome Variant Server 0.01976; gnomAD 0.03563 and 0.04412; gnomAD exomes 0.04111 and 0.08432; TOPMed 0.04919; ExAC 0.08020; 1000 Genomes Project 30x 0.13351; 1000 Genomes Project 0.14557.
gnomAD v4.1: 67,595 of 1,613,642 alleles (4.2%); highest among the groups gnomAD compares: East Asian, 43%; 6,236 homozygotes.

Submissions (9):

Labcorp Genetics (formerly Invitae), Labcorp
Classification: Benign. Last evaluated: 2026-02-04. Review status: criteria provided, single submitter. Criteria: Invitae Variant Classification Sherloc (09022015). Collection method: clinical testing. Allele origin: germline.

Athena Diagnostics
Classification: Benign. Last evaluated: 2025-01-13. Review status: criteria provided, single submitter. Criteria: Athena Diagnostics Criteria. Collection method: clinical testing. Allele origin: unknown.
Comment: The frequency of this variant in the general population is higher than would generally be expected for pathogenic variants in this gene.

Blueprint Genetics
Classification: Benign. Last evaluated: 2024-11-27. Review status: criteria provided, single submitter. Criteria: ACMG Guidelines, 2015. Collection method: clinical testing. Allele origin: germline.

Mayo Clinic Laboratories, Mayo Clinic
Classification: Benign. Last evaluated: 2022-10-31. Review status: criteria provided, single submitter. Criteria: ACMG Guidelines, 2015. Collection method: clinical testing. Allele origin: germline. Observed: 26 variant alleles.

GeneDx
Classification: Benign. Last evaluated: 2021-05-04. Review status: criteria provided, single submitter. Criteria: GeneDx Variant Classification Process June 2021. Collection method: clinical testing. Allele origin: germline. Affected: yes.

Department of Human Genetics, Laborarztpraxis Dres. Walther, Weindel und Kollegen
Classification: Benign for Deficiency of steroid 11-beta-monooxygenase. Last evaluated: 2020-04-20. Review status: criteria provided, single submitter. Criteria: ACMG Guidelines, 2015. Collection method: clinical testing. Allele origin: germline. Affected: yes.
Comment: Due to the increased occurrence of the mutation (>= 5%), this variant is classified as benign. The carrier frequency in population of East Asian (about 40%) is not consistent with disease.

Illumina Laboratory Services, Illumina
Classification: Benign for Deficiency of steroid 11-beta-monooxygenase. Last evaluated: 2018-01-12. Review status: criteria provided, single submitter. Criteria: ICSL Variant Classification Criteria 13 December 2019. Collection method: clinical testing. Allele origin: germline.
Comment: This variant was observed in the ICSL laboratory as part of a predisposition screen in an ostensibly healthy population. It had not been previously curated by ICSL or reported in the Human Gene Mutation Database (HGMD: prior to June 1st, 2018), and was therefore a candidate for classification through an automated scoring system. Utilizing variant allele frequency, disease prevalence and penetrance estimates, and inheritance mode, an automated score was calculated to assess if this variant is too frequent to cause the disease. Based on the score and internal cut-off values, a variant classified as benign is not then subjected to further curation. The score for this variant resulted in a classification of benign for this disease.

Illumina Laboratory Services, Illumina
Classification: Benign for Glucocorticoid-remediable aldosteronism. Last evaluated: 2018-01-12. Review status: criteria provided, single submitter. Criteria: ICSL Variant Classification Criteria 13 December 2019. Collection method: clinical testing. Allele origin: germline.
Comment: the same text as in the submission from Illumina Laboratory Services, Illumina above.

Breakthrough Genomics
Classification: Benign. Review status: criteria provided, single submitter. Criteria: ACMG Guidelines, 2015. Collection method: not provided. Allele origin: germline. Inheritance: Autosomal recessive inheritance. Affected: yes.

Literature cited by the submitters: PubMed 11549691 (cited by Athena Diagnostics); PubMed 12589943 (cited by Athena Diagnostics).